The following is an entry in ClinVar:

ClinVar aggregate classification (germline): Likely benign (0 of 4 stars; one submission).

Conditions:
MEI1-related disorder. Also called: MEI1-related condition.

Allele frequency attached by ClinVar (database versions not stated): gnomAD exomes 0.00011; ExAC 0.00052; 1000 Genomes Project 0.00120; TOPMed 0.00135; 1000 Genomes Project 30x 0.00141; gnomAD 0.00143; ESP Exome Variant Server 0.00164.
gnomAD v4.1: 410 of 1,613,914 alleles (0.025%); highest among the groups gnomAD compares: African/African-American, 0.44%; 3 homozygotes.

Submission:

PreventionGenetics, part of Exact Sciences
Classification: Likely benign for MEI1-related condition. Last evaluated: 2019-04-09. Review status: no assertion criteria provided. Collection method: clinical testing. Allele origin: germline.
Comment: This variant is classified as likely benign based on ACMG/AMP sequence variant interpretation guidelines (Richards et al. 2015 PMID: 25741868, with internal and published modifications).

NM_152513.4(MEI1):c.615A>G (p.Leu205=)

Gene: MEI1 (meiotic double-stranded break formation protein 1; plus strand). Cytogenetic location: 22q13.2.
Variant type: single nucleotide variant.
Coding change: c.615A>G on transcript NM_152513.4 (MANE Select); coding-DNA position 615, A replaced by G.
Protein change: p.Leu205=; no amino-acid change (leucine 205 retained).
Molecular consequence: synonymous variant.
Genome position (GRCh38, 1-based): chr22:41,718,156, A>G. VCF-style: chr22-41718156-A-G. GRCh37 (hg19) VCF-style: chr22-42114160-A-G.
Identifiers: ClinVar variation 3042648 (VCV003042648.2), dbSNP rs146685300, ClinGen allele CA10259930.
Genomic context (GRCh38, chr22:41,718,156, plus strand): 5'-AGGCTTAGTATACCCCAGTGAGGGCATACAAGCTTCTGTCTGTTACCTTTATGGGAAGCT[A>G]TACTCCTCACCAGTGGCAGCTGAGATGCTTTCAGGACACTTCCGTGAGAAGCTTTTTCCC-3'
Protein context (NP_689726.3, residues 195-215): QASVCYLYGK[Leu205=]YSSPVAAEML